The following is an entry in ClinVar:

NM_005876.5(SPEG):c.7744T>A (p.Phe2582Ile)

Genes: ASIC4-AS1 (ASIC4 antisense RNA 1; minus strand), SPEG (striated muscle enriched protein kinase; plus strand). Cytogenetic location: 2q35.
Variant type: single nucleotide variant.
Coding change: c.7744T>A on transcript NM_005876.5 (MANE Select); coding-DNA position 7744, T replaced by A.
Protein change: p.Phe2582Ile; replaces phenylalanine 2582 with isoleucine.
Molecular consequence: missense variant.
Genome position (GRCh38, 1-based): chr2:219,488,196, T>A. VCF-style: chr2-219488196-T-A. GRCh37 (hg19) VCF-style: chr2-220352918-T-A.
Other names: short protein forms F2582I.
Identifiers: ClinVar variation 1981864 (VCV001981864.4), dbSNP rs557038705, ClinGen allele CA350706154.

ClinVar aggregate classification (germline): Uncertain significance (1 of 4 stars; one submission).

gnomAD v4.1: 23 of 1,610,262 alleles (0.0014%); highest among the groups gnomAD compares: East Asian, 0.0022%; no homozygotes.

Submission:

Labcorp Genetics (formerly Invitae), Labcorp
Classification: Uncertain significance. Last evaluated: 2022-07-06. Review status: criteria provided, single submitter. Criteria: Invitae Variant Classification Sherloc (09022015). Collection method: clinical testing. Allele origin: germline.
Comment: This sequence change replaces phenylalanine, which is neutral and non-polar, with isoleucine, which is neutral and non-polar, at codon 2582 of the SPEG protein (p.Phe2582Ile). This variant is present in population databases (no rsID available, gnomAD 0.007%). This variant has not been reported in the literature in individuals affected with SPEG-related conditions. Algorithms developed to predict the effect of missense changes on protein structure and function are either unavailable or do not agree on the potential impact of this missense change (SIFT: "Deleterious"; PolyPhen-2: "Probably Damaging"; Align-GVGD: "Class C0"). In summary, the available evidence is currently insufficient to determine the role of this variant in disease. Therefore, it has been classified as a Variant of Uncertain Significance.